The following is an entry in ClinVar:

NM_004962.5(GDF10):c.1217C>T (p.Ala406Val)

Gene: GDF10 (growth differentiation factor 10; plus strand). Cytogenetic location: 10q11.22.
Variant type: single nucleotide variant.
Coding change: c.1217C>T on transcript NM_004962.5 (MANE Select); coding-DNA position 1217, C replaced by T.
Protein change: p.Ala406Val; replaces alanine 406 with valine.
Molecular consequence: missense variant.
Genome position (GRCh38, 1-based): chr10:47,310,693, C>T. VCF-style: chr10-47310693-C-T. GRCh37 (hg19) VCF-style: chr10-48428669-G-A.
Other names: short protein forms A406V.
Identifiers: ClinVar variation 161627 (VCV000161627.2), dbSNP rs140410142, ClinGen allele CA174487.

ClinVar aggregate classification (germline): Uncertain significance (0 of 4 stars; one submission).

Conditions:
Prostate cancer. Also called: Malignant tumor of prostate. Identifiers: Orphanet 1331, MedGen C0376358, MONDO:0008315, HP:0012125.

Allele frequency attached by ClinVar (database versions not stated): 1000 Genomes Project 0.00020; gnomAD exomes below 0.00001; 1000 Genomes Project 30x 0.00016; TOPMed below 0.00001; ExAC 0.00001; gnomAD 0.00001.
gnomAD v4.1: 5 of 1,613,368 alleles (0.00031%); highest among the groups gnomAD compares: East Asian, 0.0045%; no homozygotes.

Submission:

Science for Life laboratory,  Karolinska Institutet
Classification: Uncertain significance for Malignant tumor of prostate. Review status: no assertion criteria provided. Collection method: not provided. Allele origin: somatic.
Comment: TumorID:SWE-1
ClinVar note: Converted during submission from Unknown to Uncertain significance.